The following is an entry in ClinVar:

ClinVar aggregate classification (germline): Likely pathogenic (1 of 4 stars; one submission).

Submission:

Labcorp Genetics (formerly Invitae), Labcorp
Classification: Likely pathogenic. Last evaluated: 2019-09-20. Review status: criteria provided, single submitter. Criteria: Invitae Variant Classification Sherloc (09022015). Collection method: clinical testing. Allele origin: germline.
Comment: Algorithms developed to predict the effect of sequence changes on RNA splicing suggest that this variant may disrupt the consensus splice site, but this prediction has not been confirmed by published transcriptional studies. This sequence change affects an acceptor splice site in intron 3 of the LRP5 gene. It is expected to disrupt RNA splicing and likely results in an absent or disrupted protein product. This variant is not present in population databases (ExAC no frequency). This variant has not been reported in the literature in individuals with LRP5-related conditions. Donor and acceptor splice site variants typically lead to a loss of protein function (PMID: 16199547), and loss-of-function variants in LRP5 are known to be pathogenic (PMID: 11719191, 11956231, 15824851, 16252235, 18602879, 25711638). In summary, the currently available evidence indicates that the variant is pathogenic, but additional data are needed to prove that conclusively. Therefore, this variant has been classified as Likely Pathogenic.

Literature cited by the submitters: PubMed 16199547; PubMed 11719191; PubMed 11956231; PubMed 15824851; PubMed 16252235; PubMed 18602879; PubMed 25711638.

NM_002335.4(LRP5):c.687-2A>T

Gene: LRP5 (LDL receptor related protein 5; plus strand). Cytogenetic location: 11q13.2.
Variant type: single nucleotide variant.
Coding change: c.687-2A>T on transcript NM_002335.4 (MANE Select); the canonical splice acceptor site of the intron before coding-DNA position 687, A replaced by T.
Molecular consequence: splice acceptor variant.
Genome position (GRCh38, 1-based): chr11:68,363,745, A>T. VCF-style: chr11-68363745-A-T. GRCh37 (hg19) VCF-style: chr11-68131213-A-T.
Other names: c.-1079-2A>T (NM_001291902.2).
Identifiers: ClinVar variation 958361 (VCV000958361.8), dbSNP rs2098629307, ClinGen allele CA381610892.